The following is an entry in ClinVar:

NM_001267550.2(TTN):c.41329+9T>C

Gene: TTN (titin; minus strand). Cytogenetic location: 2q31.2.
Variant type: single nucleotide variant.
Coding change: c.41329+9T>C on transcript NM_001267550.2 (MANE Select); 9 bases into the intron after coding-DNA position 41329, T replaced by C.
Molecular consequence: intron variant.
Genome position (GRCh38, 1-based): chr2:178,636,389, A>G on the plus strand (T>C on the coding strand, the complement: TTN is on the minus strand). VCF-style: chr2-178636389-A-G. GRCh37 (hg19) VCF-style: chr2-179501116-A-G.
Other names: c.14134+9T>C (NM_003319.4); c.14710+9T>C (NM_133437.4); c.14509+9T>C (NM_133432.3); c.33625+9T>C (NM_133378.4); c.36406+9T>C (NM_001256850.1).
Identifiers: ClinVar variation 228090 (VCV000228090.16), dbSNP rs779075177, ClinGen allele CA1996289.

ClinVar aggregate classification (germline): Likely benign. Review status: criteria provided, multiple submitters, no conflicts (2 of 4 stars). 3 submissions from 3 submitters: Likely benign (3). Last evaluated 2025-10-26.

Conditions:
TTN-related disorder. Also called: TTN-related disorders; TTN-related condition; TTN-related disease.
Dilated cardiomyopathy 1G (CMD1G). Identifiers: Orphanet 154, MedGen C1858763, MONDO:0011400, OMIM 604145.
Autosomal recessive limb-girdle muscular dystrophy type 2J (LGMDR10). Also called: Limb-girdle muscular dystrophy, type 2J; MUSCULAR DYSTROPHY, LIMB-GIRDLE, AUTOSOMAL RECESSIVE 10. Identifiers: Orphanet 140922, MedGen C1837342, MONDO:0012127, OMIM 608807.

Allele frequency attached by ClinVar (database versions not stated): ExAC 0.00001; gnomAD exomes 0.00001; gnomAD 0.00004; TOPMed 0.00005.
gnomAD v4.1: 17 of 1,593,826 alleles (0.0011%); highest among the groups gnomAD compares: African/African-American, 0.02%; no homozygotes.

Submissions (3):

Labcorp Genetics (formerly Invitae), Labcorp
Classification: Likely benign for Dilated cardiomyopathy 1G; Autosomal recessive limb-girdle muscular dystrophy type 2J. Last evaluated: 2025-10-26. Review status: criteria provided, single submitter. Criteria: Invitae Variant Classification Sherloc (09022015). Collection method: clinical testing. Allele origin: germline.

PreventionGenetics, part of Exact Sciences
Classification: Likely benign for TTN-related condition. Last evaluated: 2025-06-07. Review status: criteria provided, single submitter. Criteria: ACMG Guidelines, 2015. Collection method: clinical testing. Allele origin: germline.
Comment: This variant is classified as likely benign based on ACMG/AMP sequence variant interpretation guidelines (Richards et al. 2015 PMID: 25741868, with internal and published modifications).

Laboratory for Molecular Medicine, Mass General Brigham Personalized Medicine
Classification: Likely benign. Last evaluated: 2015-04-04. Review status: criteria provided, single submitter. Criteria: LMM Criteria. Collection method: clinical testing. Allele origin: germline. Observed: 1 variant allele.
Comment: c.33625+9T>C in intron 174 of TTN: This variant is not expected to have clinical significance because it is not located within the splice consensus sequence. It has been identified in 1/8448 African chromosomes by the Exome Aggregation Cons ortium (ExAC).